The following is an entry in ClinVar:

ClinVar aggregate classification (germline): Likely pathogenic (1 of 4 stars; one submission).

Conditions:
DeSanto-Shinawi syndrome due to WAC point mutation (DESSH). Also called: DEVELOPMENTAL DELAY, BEHAVIORAL ABNORMALITIES, FACIAL DYSMORPHISM, AND OCULAR ABNORMALITIES; Facial dysmorphism-developmental delay-behavioral abnormalities syndrome due to WAC point mutation; WAC-Related Intellectual Disability. Identifiers: Orphanet 284169, Orphanet 466950, MedGen C5681129, MONDO:0014741, OMIM 616708.

Submission:

3billion
Classification: Likely pathogenic for DeSanto-Shinawi syndrome due to WAC point mutation. Last evaluated: 2025-09-11. Review status: criteria provided, single submitter. Criteria: ACMG Guidelines, 2015. Collection method: clinical testing. Allele origin: germline. Affected: yes.
Comment: The variant is not observed in the gnomAD v4.1.0 dataset. Predicted Consequence/Location: Stop-gained (nonsense): predicted to result in a loss or disruption of normal protein function through protein truncation. The predicted truncated protein may be shortened by less than 10%. Therefore, this variant is classified as Likely pathogenic according to the recommendation of ACMG/AMP guideline.

NM_016628.5(WAC):c.1869_1870delinsAT (p.Gln624Ter)

Gene: WAC (WW domain containing adaptor with coiled-coil; plus strand). Cytogenetic location: 10p12.1.
Variant type: Indel.
Coding change: c.1869_1870delinsAT on transcript NM_016628.5 (MANE Select); coding-DNA positions 1869 to 1870, GC replaced by AT.
Protein change: p.Gln624Ter; replaces glutamine 624 with a stop codon.
Molecular consequence: nonsense.
Genome position (GRCh38, 1-based): chr10:28,617,779-28,617,780, GC replaced by AT. VCF-style: chr10-28617779-GC-AT. GRCh37 (hg19) VCF-style: chr10-28906708-GC-AT.
Other names: c.1734_1735delinsAT, p.Gln579Ter (NM_100264.3); c.1560_1561delinsAT, p.Gln521Ter (NM_100486.4); short protein forms Q521*, Q579*, Q624*.
Identifiers: ClinVar variation 4855653 (VCV004855653.1).
Genomic context (GRCh38, chr10:28,617,779, plus strand): 5'-TGAATTAAAAAATTTAAGATCTTTAGTCCGAGTATGTGAAATTCAAGCAACTTTGCGAGA[GC>AT]AAAGGTAAGTCTTTCACTGAAATATATTTTTATGTTTCTCAGGATTATGATTCTTAAATC-3'